The following is an entry in ClinVar:

ClinVar aggregate classification (germline): Benign/Likely benign. Review status: criteria provided, multiple submitters, no conflicts (2 of 4 stars). 4 submissions from 4 submitters: Benign (1); Likely benign (3). Last evaluated 2026-05-30.

Conditions:
Ehlers-Danlos syndrome, classic type, 1 (EDSCL1). Also called: Ehlers-Danlos Syndrome, Classic Type, COL5A1-Related; EHLERS-DANLOS SYNDROME, GRAVIS TYPE; EHLERS-DANLOS SYNDROME, SEVERE CLASSIC TYPE; Ehlers-Danlos syndrome, type 1; EDS I. Identifiers: MedGen C0268335, MONDO:0019567, OMIM 130000.
Familial thoracic aortic aneurysm and aortic dissection (TAAD). Also called: Thoracic aortic aneurysms and dissections. Identifiers: Orphanet 91387, MedGen C4707243, MONDO:0019625.

Allele frequency attached by ClinVar (database versions not stated): gnomAD 0.00001.
gnomAD v4.1: 5 of 1,612,620 alleles (0.00031%); highest among the groups gnomAD compares: Admixed American, 0.0017%; no homozygotes.

Submissions (4):

Women's Health and Genetics/Laboratory Corporation of America, LabCorp
Classification: Likely benign. Last evaluated: 2026-05-30. Review status: criteria provided, single submitter. Criteria: LabCorp Variant Classification Summary - May 2015. Collection method: clinical testing. Allele origin: germline.

Labcorp Genetics (formerly Invitae), Labcorp
Classification: Likely benign for Ehlers-Danlos syndrome, classic type, 1. Last evaluated: 2025-10-27. Review status: criteria provided, single submitter. Criteria: Invitae Variant Classification Sherloc (09022015). Collection method: clinical testing. Allele origin: germline.

Ambry Genetics
Classification: Likely benign for Familial thoracic aortic aneurysm and aortic dissection. Last evaluated: 2020-06-17. Review status: criteria provided, single submitter. Criteria: Ambry Variant Classification Scheme 2023. Collection method: clinical testing. Allele origin: germline.

GeneDx
Classification: Benign. Last evaluated: 2014-10-15. Review status: criteria provided, single submitter. Criteria: GeneDx Variant Classification (06012015). Collection method: clinical testing. Allele origin: germline. Affected: yes.
Comment: This variant is considered likely benign or benign based on one or more of the following criteria: it is a conservative change, it occurs at a poorly conserved position in the protein, it is predicted to be benign by multiple in silico algorithms, and/or has population frequency not consistent with disease.

NM_000393.5(COL5A2):c.1188C>T (p.Gly396=)

Gene: COL5A2 (collagen type V alpha 2 chain; minus strand). Cytogenetic location: 2q32.2.
Variant type: single nucleotide variant.
Coding change: c.1188C>T on transcript NM_000393.5 (MANE Select); coding-DNA position 1188, C replaced by T.
Protein change: p.Gly396=; no amino-acid change (glycine 396 retained).
Molecular consequence: synonymous variant.
Genome position (GRCh38, 1-based): chr2:189,068,855, G>A on the plus strand (C>T on the coding strand, the complement: COL5A2 is on the minus strand). VCF-style: chr2-189068855-G-A. GRCh37 (hg19) VCF-style: chr2-189933581-G-A.
Other names: p.G396G:GGC>GGT.
Identifiers: ClinVar variation 213073 (VCV000213073.14), dbSNP rs863223485, ClinGen allele CA319992.
Genomic context (GRCh38, chr2:189,068,855, plus strand): 5'-TGGAGAGCCAACTGGACCTGGGGGCCCAGTTTCACCTCTCTGCCCCTGAGGACCTTCAGG[G>A]CCTCGCGCCCCTGTAGGACCTGCTTCTCCCTAAAAGGGTGCAAAGGGAAATGTTAATTTA-3'
Protein context (NP_000384.2, residues 386-406): KGEAGPTGAR[Gly396=]PEGPQGQRGE